The following is an entry in ClinVar:

NM_004415.4(DSP):c.3601G>A (p.Glu1201Lys)

Gene: DSP (desmoplakin; plus strand). Cytogenetic location: 6p24.3.
Variant type: single nucleotide variant.
Coding change: c.3601G>A on transcript NM_004415.4 (MANE Select); coding-DNA position 3601, G replaced by A.
Protein change: p.Glu1201Lys; replaces glutamic acid 1201 with lysine.
Molecular consequence: missense variant. On other transcripts: intron variant (1).
Genome position (GRCh38, 1-based): chr6:7,579,791, G>A. VCF-style: chr6-7579791-G-A. GRCh37 (hg19) VCF-style: chr6-7580024-G-A.
Other names: c.3601G>A, p.Glu1201Lys (NM_001319034.2); c.3582+19G>A (NM_001008844.3); c.3601G>A (LRG_423t1); short protein forms E1201K.
Identifiers: ClinVar variation 357950 (VCV000357950.10), dbSNP rs751566392, ClinGen allele CA038480.

ClinVar aggregate classification (germline): Conflicting classifications of pathogenicity. Review status: criteria provided, conflicting classifications (1 of 4 stars). 5 submissions from 3 submitters: Uncertain significance (4); Likely benign (1). Last evaluated 2024-05-30.

Conditions:
Arrhythmogenic cardiomyopathy with wooly hair and keratoderma. Also called: PALMOPLANTAR KERATODERMA WITH LEFT VENTRICULAR CARDIOMYOPATHY AND WOOLLY HAIR; Carvajal syndrome; Dilated cardiomyopathy with woolly hair and keratoderma; Arrhythmogenic cardiomyopathy with woolly hair and keratoderma. Identifiers: Orphanet 65282, MedGen C1854063, MONDO:0011581, OMIM 605676.
Arrhythmogenic right ventricular dysplasia 8 (ARVD8). Also called: ARRHYTHMOGENIC RIGHT VENTRICULAR DYSPLASIA, FAMILIAL, 8; ARRHYTHMOGENIC RIGHT VENTRICULAR CARDIOMYOPATHY 8; Arrhythmogenic Right Ventricular Dysplasia/Cardiomyopathy 8. Identifiers: MedGen C1843896, MONDO:0011831, OMIM 607450.
Lethal acantholytic epidermolysis bullosa (EBLA). Identifiers: Orphanet 158687, MedGen C1864826, MONDO:0012323, OMIM 609638.
Woolly hair-skin fragility syndrome (WHSF). Identifiers: Orphanet 293165, MedGen C1843292, MONDO:0957307, OMIM 620415.

Allele frequency attached by ClinVar (database versions not stated): ExAC 0.00001; gnomAD exomes 0.00001; TOPMed 0.00001.
gnomAD v4.1: 8 of 1,614,044 alleles (0.0005%); highest among the groups gnomAD compares: East Asian, 0.013%; no homozygotes.

Submissions (5):

All of Us Research Program, National Institutes of Health
Classification: Uncertain significance for Arrhythmogenic cardiomyopathy with wooly hair and keratoderma. Last evaluated: 2024-05-30. Review status: criteria provided, single submitter. Criteria: ACMG Guidelines, 2015. Collection method: clinical testing. Allele origin: germline. Inheritance: Autosomal dominant inheritance. Observed: 1 variant allele, 1 heterozygote.
Comment: This missense variant replaces glutamic acid with lysine at codon 1201 of the DSP protein. Computational prediction suggests that this variant may not impact protein structure and function (internally defined REVEL score threshold <= 0.5, PMID: 27666373). To our knowledge, functional studies have not been reported for this variant. This variant has been reported in an individual affected with arrhythmogenic right ventricular cardiomyopathy (PMID: 24125834), as well as in a healthy individual (PMID: 29618732). This variant has been identified in 2/250966 chromosomes in the general population by the Genome Aggregation Database (gnomAD). The available evidence is insufficient to determine the role of this variant in disease conclusively. Therefore, this variant is classified as a Variant of Uncertain Significance.

This study involves interpretation of variants in research participants for the purpose of population health screening. Participant phenotype was not available at the time of variant classification. Additional details can be found in publication PMID: 35346344, PMCID: PMC8962531

Labcorp Genetics (formerly Invitae), Labcorp
Classification: Likely benign for Arrhythmogenic cardiomyopathy with wooly hair and keratoderma; Arrhythmogenic right ventricular dysplasia 8. Last evaluated: 2023-08-30. Review status: criteria provided, single submitter. Criteria: Invitae Variant Classification Sherloc (09022015). Collection method: clinical testing. Allele origin: germline.

Illumina Laboratory Services, Illumina
Classification: Uncertain significance for Lethal acantholytic epidermolysis bullosa. Last evaluated: 2018-01-13. Review status: criteria provided, single submitter. Criteria: ICSL Variant Classification Criteria 13 December 2019. Collection method: clinical testing. Allele origin: germline.

Illumina Laboratory Services, Illumina
Classification: Uncertain significance for Arrhythmogenic cardiomyopathy with wooly hair and keratoderma. Last evaluated: 2018-01-13. Review status: criteria provided, single submitter. Criteria: ICSL Variant Classification Criteria 13 December 2019. Collection method: clinical testing. Allele origin: germline.

Illumina Laboratory Services, Illumina
Classification: Uncertain significance for Arrhythmogenic right ventricular dysplasia 8. Last evaluated: 2018-01-13. Review status: criteria provided, single submitter. Criteria: ICSL Variant Classification Criteria 13 December 2019. Collection method: clinical testing. Allele origin: germline.

Literature cited by the submitters: PubMed 24125834 (cited by All of Us Research Program, National Institutes of Health); PubMed 29618732 (cited by All of Us Research Program, National Institutes of Health).